The following is an entry in ClinVar:

ClinVar aggregate classification (germline): Uncertain significance. Review status: criteria provided, multiple submitters, no conflicts (2 of 4 stars). 2 submissions from 2 submitters: Uncertain significance (2). Last evaluated 2025-09-10.

Conditions:
Nemaline myopathy 9 (NEM9). Identifiers: MedGen C3810384, MONDO:0014326, OMIM 615731.
Inborn genetic diseases. Identifiers: MedGen C0950123, MeSH D030342.

Allele frequency attached by ClinVar (database versions not stated): gnomAD exomes 0.00001 and 0.00002; ExAC 0.00002; ESP Exome Variant Server 0.00008; TOPMed 0.00011; gnomAD 0.00013 and 0.00014.
gnomAD v4.1: 27 of 1,613,906 alleles (0.0017%); highest among the groups gnomAD compares: African/African-American, 0.035%; no homozygotes.

Submissions (2):

Ambry Genetics
Classification: Uncertain significance for Inborn genetic diseases. Last evaluated: 2025-09-10. Review status: criteria provided, single submitter. Criteria: Ambry Variant Classification Scheme 2023. Collection method: clinical testing. Allele origin: germline.

Labcorp Genetics (formerly Invitae), Labcorp
Classification: Uncertain significance for Nemaline myopathy 9. Last evaluated: 2022-03-12. Review status: criteria provided, single submitter. Criteria: Invitae Variant Classification Sherloc (09022015). Collection method: clinical testing. Allele origin: germline.
Comment: This sequence change replaces asparagine, which is neutral and polar, with lysine, which is basic and polar, at codon 214 of the KLHL41 protein (p.Asn214Lys). In summary, the available evidence is currently insufficient to determine the role of this variant in disease. Therefore, it has been classified as a Variant of Uncertain Significance. Algorithms developed to predict the effect of missense changes on protein structure and function (SIFT, PolyPhen-2, Align-GVGD) all suggest that this variant is likely to be tolerated. ClinVar contains an entry for this variant (Variation ID: 1006388). This variant has not been reported in the literature in individuals affected with KLHL41-related conditions. This variant is present in population databases (rs372183592, gnomAD 0.04%).

NM_006063.3(KLHL41):c.642C>G (p.Asn214Lys)

Gene: KLHL41 (kelch like family member 41; plus strand). Cytogenetic location: 2q31.1.
Variant type: single nucleotide variant.
Coding change: c.642C>G on transcript NM_006063.3 (MANE Select); coding-DNA position 642, C replaced by G.
Protein change: p.Asn214Lys; replaces asparagine 214 with lysine.
Molecular consequence: missense variant.
Genome position (GRCh38, 1-based): chr2:169,510,420, C>G. VCF-style: chr2-169510420-C-G. GRCh37 (hg19) VCF-style: chr2-170366930-C-G.
Other names: c.642C>G (NM_006063.2); short protein forms N214K.
Identifiers: ClinVar variation 1006388 (VCV001006388.9), dbSNP rs372183592, ClinGen allele CA1956533.